The following is an entry in ClinVar:

NM_015425.6(POLR1A):c.3600G>C (p.Trp1200Cys)

Gene: POLR1A (RNA polymerase I subunit A; minus strand). Cytogenetic location: 2p11.2.
Variant type: single nucleotide variant.
Coding change: c.3600G>C on transcript NM_015425.6 (MANE Select); coding-DNA position 3600, G replaced by C.
Protein change: p.Trp1200Cys; replaces tryptophan 1200 with cysteine.
Molecular consequence: missense variant.
Genome position (GRCh38, 1-based): chr2:86,040,532, C>G on the plus strand (G>C on the coding strand, the complement: POLR1A is on the minus strand). VCF-style: chr2-86040532-C-G. GRCh37 (hg19) VCF-style: chr2-86267655-C-G.
Other names: short protein forms W1200C.
Identifiers: ClinVar variation 2745968 (VCV002745968.3), dbSNP rs2466335537, ClinGen allele CA347552723.

ClinVar aggregate classification (germline): Uncertain significance (1 of 4 stars; one submission).

Submission:

Labcorp Genetics (formerly Invitae), Labcorp
Classification: Uncertain significance. Last evaluated: 2023-07-23. Review status: criteria provided, single submitter. Criteria: Invitae Variant Classification Sherloc (09022015). Collection method: clinical testing. Allele origin: germline.
Comment: This variant has not been reported in the literature in individuals affected with POLR1A-related conditions. This sequence change replaces tryptophan, which is neutral and slightly polar, with cysteine, which is neutral and slightly polar, at codon 1200 of the POLR1A protein (p.Trp1200Cys). This variant is not present in population databases (gnomAD no frequency). Advanced modeling of protein sequence and biophysical properties (such as structural, functional, and spatial information, amino acid conservation, physicochemical variation, residue mobility, and thermodynamic stability) performed at Invitae indicates that this missense variant is expected to disrupt POLR1A protein function. In summary, the available evidence is currently insufficient to determine the role of this variant in disease. Therefore, it has been classified as a Variant of Uncertain Significance.